The following is an entry in ClinVar:

ClinVar aggregate classification (germline): Likely pathogenic (1 of 4 stars; one submission).

Conditions:
Primary ciliary dyskinesia 3. Identifiers: Orphanet 244, MedGen C1837618, MONDO:0012085, OMIM 608644.

Submission:

Myriad Genetics, Inc.
Classification: Likely pathogenic for Primary ciliary dyskinesia 3. Last evaluated: 2022-01-25. Review status: criteria provided, single submitter. Criteria: Myriad Women's Health Autosomal Recessive and X-Linked Classification Criteria (2021). Collection method: clinical testing. Allele origin: unknown.
Comment: NM_001369.2(DNAH5):c.617del1ins12(F206Sfs*6) is expected to be pathogenic in the context of DNAH5-related primary ciliary dyskinesia. This variant is predicted to lead to an abnormal or absent protein product due to the creation of a premature termination codon in DNAH5, a gene where loss-of-function variants are known to be pathogenic. Please note: this variant was assessed in the context of healthy population screening.

NM_001369.3(DNAH5):c.617delinsCTTATACACATC (p.Phe206fs)

Gene: DNAH5 (dynein axonemal heavy chain 5; minus strand). Cytogenetic location: 5p15.2.
Variant type: Indel.
Coding change: c.617delinsCTTATACACATC on transcript NM_001369.3 (MANE Select); coding-DNA position 617, T replaced by CTTATACACATC.
Protein change: p.Phe206fs; shifts the reading frame from phenylalanine 206.
Molecular consequence: frameshift variant.
Genome position (GRCh38, 1-based): chr5:13,922,150, A replaced by GATGTGTATAAG on the plus strand (T replaced by CTTATACACATC on the coding strand, the reverse complement: DNAH5 is on the minus strand). VCF-style: chr5-13922150-A-GATGTGTATAAG. GRCh37 (hg19) VCF-style: chr5-13922259-A-GATGTGTATAAG.
Other names: short protein forms F206fs.
Identifiers: ClinVar variation 1724097 (VCV001724097.2), dbSNP rs2547155666, ClinGen allele CA2580072118.